The following is an entry in ClinVar:

NM_001127644.2(GABRA1):c.828A>C (p.Arg276Ser)

Gene: GABRA1 (gamma-aminobutyric acid type A receptor subunit alpha1; plus strand). Cytogenetic location: 5q34.
Variant type: single nucleotide variant.
Coding change: c.828A>C on transcript NM_001127644.2 (MANE Select); coding-DNA position 828, A replaced by C.
Protein change: p.Arg276Ser; replaces arginine 276 with serine.
Molecular consequence: missense variant.
Genome position (GRCh38, 1-based): chr5:161,891,022, A>C. VCF-style: chr5-161891022-A-C. GRCh37 (hg19) VCF-style: chr5-161318028-A-C.
Other names: c.828A>C, p.Arg276Ser (NM_000806.5, NM_001127643.2, NM_001127645.2 and 1 more transcripts); short protein forms R276S.
Identifiers: ClinVar variation 2952172 (VCV002952172.3), dbSNP rs1444728325, ClinGen allele CA362179992.

ClinVar aggregate classification (germline): Uncertain significance (1 of 4 stars; one submission).

Conditions:
Idiopathic generalized epilepsy. Also called: Generalised epilepsy; EIG. Identifiers: MedGen C0270850, MONDO:0005579, OMIM 600669.
Epilepsy, idiopathic generalized, susceptibility to, 13. Also called: EPILEPSY, JUVENILE MYOCLONIC, SUSCEPTIBILITY TO, 5. Identifiers: Orphanet 307, Orphanet 64280, MedGen C4013473, MONDO:0012627, OMIM 611136.
Epilepsy, childhood absence 4 (ECA4). Also called: EPILEPSY, CHILDHOOD ABSENCE, SUSCEPTIBILITY TO, 4. Identifiers: Orphanet 307, MedGen C1970160.

Submission:

Labcorp Genetics (formerly Invitae), Labcorp
Classification: Uncertain significance for Epilepsy, childhood absence 4; Epilepsy, idiopathic generalized, susceptibility to, 13; Idiopathic generalized epilepsy. Last evaluated: 2023-09-22. Review status: criteria provided, single submitter. Criteria: Invitae Variant Classification Sherloc (09022015). Collection method: clinical testing. Allele origin: germline.
Comment: This variant is not present in population databases (gnomAD no frequency). This variant has not been reported in the literature in individuals affected with GABRA1-related conditions. Advanced modeling of protein sequence and biophysical properties (such as structural, functional, and spatial information, amino acid conservation, physicochemical variation, residue mobility, and thermodynamic stability) has been performed at Invitae for this missense variant, however the output from this modeling did not meet the statistical confidence thresholds required to predict the impact of this variant on GABRA1 protein function. In summary, the available evidence is currently insufficient to determine the role of this variant in disease. Therefore, it has been classified as a Variant of Uncertain Significance. This sequence change replaces arginine, which is basic and polar, with serine, which is neutral and polar, at codon 276 of the GABRA1 protein (p.Arg276Ser).